The following is an entry in ClinVar:

NM_000169.3(GLA):c.285G>T (p.Trp95Cys)

Genes: GLA (galactosidase alpha; minus strand), RPL36A-HNRNPH2 (RPL36A-HNRNPH2 readthrough; plus strand). Cytogenetic location: Xq22.1.
Variant type: single nucleotide variant.
Coding change: c.285G>T on transcript NM_000169.3 (MANE Select); coding-DNA position 285, G replaced by T.
Protein change: p.Trp95Cys; replaces tryptophan 95 with cysteine.
Molecular consequence: missense variant. On other transcripts: non-coding transcript variant (3), intron variant (2).
Genome position (GRCh38, 1-based): chrX:101,403,895, C>A on the plus strand (G>T on the coding strand, the complement: GLA is on the minus strand). VCF-style: chrX-101403895-C-A. GRCh37 (hg19) VCF-style: chrX-100658883-C-A.
Other names: c.408G>T, p.Trp136Cys (NM_001406747.1, NM_001406749.1); c.285G>T, p.Trp95Cys (NM_001406748.1); c.301-8041C>A (NM_001199973.2); c.178-8041C>A (NM_001199974.2); short protein forms W136C, W95C.
Identifiers: ClinVar variation 3724330 (VCV003724330.4).
Genomic context (GRCh38, chrX:101,403,895, plus strand): 5'-ATGAGGAAAGCGCTGAGGGTCTGCCTGAAGTCTGCCTTCTGAATCTCTTTGGGGAGCCAT[C>A]CAACAGTCATCAATGCAGAGGTACTCATAACCTGCATCCTTCCAGCCTTCTGAGACCATG-3'
Protein context (NP_000160.1, residues 85-105): GYEYLCIDDC[Trp95Cys]MAPQRDSEGR

ClinVar aggregate classification (germline): Likely pathogenic. Review status: criteria provided, multiple submitters, no conflicts (2 of 4 stars). 2 submissions from 2 submitters: Likely pathogenic (2). Last evaluated 2026-09-08.

Conditions:
Fabry disease. Also called: ALPHA-GALACTOSIDASE A DEFICIENCY; Fabry's disease; Ceramide trihexosidosis; Angiokeratoma corporis diffusum; ANDERSON-FABRY DISEASE; CERAMIDE TRIHEXOSIDASE DEFICIENCY. Identifiers: Orphanet 324, MedGen C0002986, MONDO:0010526, OMIM 301500, HP:0001071. Disease mechanism: loss of function, Fabry disease is due to inactivating mutations in the X-linked GLA gene resulting in deficiency of the enzyme Alpha Galactosidase-A..

Submissions (2):

Genomenon, Inc
Classification: Likely pathogenic for Fabry disease. Last evaluated: 2026-09-08. Review status: criteria provided, single submitter. Criteria: Genomenon Sequence Variant Interpretation Standards - Updated. Collection method: curation. Allele origin: germline. Affected: no.
Comment: GLA p.Trp95Cys (c.285G>T) is a missense variant that changes the amino acid at codon 95 from Tryptophan to Cysteine. This variant has been reported in the published literature (PMID:33301762;23935525). At least one functional study has demonstrated a substantial alteration in protein function relative to the wild-type (PMID:23935525). This variant is located in a mutational hotspot and/or important functional domain. It is absent or not present at a significant frequency in gnomAD. In silico models predict that this variant is possibly or probably damaging. In conclusion, we classify GLA p.Trp95Cys (c.285G>T) as a likely pathogenic variant.

Labcorp Genetics (formerly Invitae), Labcorp
Classification: Likely pathogenic for Fabry disease. Last evaluated: 2024-02-19. Review status: criteria provided, single submitter. Criteria: Invitae Variant Classification Sherloc (09022015). Collection method: clinical testing. Allele origin: germline.
Comment: This sequence change replaces tryptophan, which is neutral and slightly polar, with cysteine, which is neutral and slightly polar, at codon 95 of the GLA protein (p.Trp95Cys). This variant is not present in population databases (gnomAD no frequency). This missense change has been observed in individual(s) with Fabry disease (Invitae). Advanced modeling of protein sequence and biophysical properties (such as structural, functional, and spatial information, amino acid conservation, physicochemical variation, residue mobility, and thermodynamic stability) performed at Invitae indicates that this missense variant is expected to disrupt GLA protein function with a positive predictive value of 80%. Experimental studies have shown that this missense change affects GLA function (PMID: 23935525). This variant disrupts the p.Trp95 amino acid residue in GLA. Other variant(s) that disrupt this residue have been observed in individuals with GLA-related conditions (PMID: 10916280, 25865499, 33301762), which suggests that this may be a clinically significant amino acid residue. In summary, the currently available evidence indicates that the variant is pathogenic, but additional data are needed to prove that conclusively. Therefore, this variant has been classified as Likely Pathogenic.

Literature cited by the submitters: PubMed 33301762 (cited by Genomenon, Inc and Labcorp Genetics (formerly Invitae), Labcorp); PubMed 23935525 (cited by Genomenon, Inc and Labcorp Genetics (formerly Invitae), Labcorp); PubMed 10916280 (cited by Labcorp Genetics (formerly Invitae), Labcorp); PubMed 25865499 (cited by Labcorp Genetics (formerly Invitae), Labcorp).